The following is an entry in ClinVar:

ClinVar aggregate classification (germline): Conflicting classifications of pathogenicity. Review status: criteria provided, conflicting classifications (1 of 4 stars). 7 submissions from 7 submitters: Uncertain significance (1); Benign (1); Likely benign (4). 1 of the submissions does not count toward it. Last evaluated 2026-06-01.

Conditions:
ZNF469-related disorder. Also called: ZNF469-related condition.
Cardiovascular phenotype. Identifiers: MedGen CN230736.
Ehlers-Danlos syndrome (EDS). Identifiers: Orphanet 98249, MedGen C0013720, MONDO:0020066.

Allele frequency attached by ClinVar (database versions not stated): TOPMed 0.00018; gnomAD exomes 0.00022; gnomAD 0.00030 and 0.00031.
gnomAD v4.1: 379 of 1,549,800 alleles (0.024%); highest among the groups gnomAD compares: Middle Eastern, 0.033%; no homozygotes.

Submissions (7):

CeGaT Center for Human Genetics Tuebingen
Classification: Likely benign. Last evaluated: 2026-06-01. Review status: criteria provided, single submitter. Criteria: CeGaT Center For Human Genetics Tuebingen Variant Classification Criteria Version 2. Collection method: clinical testing. Allele origin: germline. Affected: yes. Observed: 3 variant alleles.
Comment: ZNF469: BP4, BP7

Labcorp Genetics (formerly Invitae), Labcorp
Classification: Likely benign. Last evaluated: 2026-01-11. Review status: criteria provided, single submitter. Criteria: Invitae Variant Classification Sherloc (09022015). Collection method: clinical testing. Allele origin: germline.

Women's Health and Genetics/Laboratory Corporation of America, LabCorp
Classification: Likely benign. Last evaluated: 2025-09-02. Review status: criteria provided, single submitter. Criteria: LabCorp Variant Classification Summary - May 2015. Collection method: clinical testing. Allele origin: germline.

Ambry Genetics
Classification: Benign for Cardiovascular phenotype. Last evaluated: 2021-10-29. Review status: criteria provided, single submitter. Criteria: Ambry Variant Classification Scheme 2023. Collection method: clinical testing. Allele origin: germline.

Genome Diagnostics Laboratory, The Hospital for Sick Children
Classification: Uncertain significance for Ehlers-Danlos syndrome. Last evaluated: 2021-09-29. Review status: criteria provided, single submitter. Criteria: ACMG Guidelines, 2015. Collection method: clinical testing. Allele origin: germline.

GeneDx
Classification: Likely benign. Last evaluated: 2017-09-06. Review status: criteria provided, single submitter. Criteria: GeneDx Variant Classification (06012015). Collection method: clinical testing. Allele origin: germline. Affected: yes.
Comment: This variant is considered likely benign or benign based on one or more of the following criteria: it is a conservative change, it occurs at a poorly conserved position in the protein, it is predicted to be benign by multiple in silico algorithms, and/or has population frequency not consistent with disease.

PreventionGenetics, part of Exact Sciences
Classification: Likely benign for ZNF469-related condition. Last evaluated: 2024-03-08. Review status: no assertion criteria provided. Collection method: clinical testing. Allele origin: germline. Not counted in ClinVar's aggregate classification.
Comment: This variant is classified as likely benign based on ACMG/AMP sequence variant interpretation guidelines (Richards et al. 2015 PMID: 25741868, with internal and published modifications).

NM_001367624.2(ZNF469):c.1689C>T (p.Phe563=)

Gene: ZNF469 (zinc finger protein 469; plus strand). Cytogenetic location: 16q24.2.
Variant type: single nucleotide variant.
Coding change: c.1689C>T on transcript NM_001367624.2 (MANE Select); coding-DNA position 1689, C replaced by T.
Protein change: p.Phe563=; no amino-acid change (phenylalanine 563 retained).
Molecular consequence: synonymous variant.
Genome position (GRCh38, 1-based): chr16:88,429,159, C>T. VCF-style: chr16-88429159-C-T. GRCh37 (hg19) VCF-style: chr16-88495567-C-T.
Other names: NM_001127464.1:c.1689C>T; NM_001127464.2:c.1689C>T.
Identifiers: ClinVar variation 390963 (VCV000390963.45), dbSNP rs751136702, ClinGen allele CA16607513.